The following is an entry in ClinVar:

NM_016004.5(IFT52):c.931G>A (p.Glu311Lys)

Gene: IFT52 (intraflagellar transport 52; plus strand). Cytogenetic location: 20q13.12.
Variant type: single nucleotide variant.
Coding change: c.931G>A on transcript NM_016004.5 (MANE Select); coding-DNA position 931, G replaced by A.
Protein change: p.Glu311Lys; replaces glutamic acid 311 with lysine.
Molecular consequence: missense variant.
Genome position (GRCh38, 1-based): chr20:43,635,933, G>A. VCF-style: chr20-43635933-G-A. GRCh37 (hg19) VCF-style: chr20-42264573-G-A.
Other names: c.931G>A, p.Glu311Lys (NM_001303458.3, NM_001303459.3); c.403G>A, p.Glu135Lys (NM_001323578.2, NM_001323580.2); c.280G>A, p.Glu94Lys (NM_001323579.2, NM_001323581.2); short protein forms E311K, E135K, E94K.
Identifiers: ClinVar variation 446694 (VCV000446694.9), dbSNP rs145672738, ClinGen allele CA9867050.
Genomic context (GRCh38, chr20:43,635,933, plus strand): 5'-GTGCTGAGCTATAGTGTCTTGATCCCTGCTTTTTTGTTTGATTATGAACACAGGGCTCAC[G>A]AGCAGCTAAATGTGAAACATGAACCACTCCAGCTCATCCAGCCTCAGTTTGAGACGCCGC-3'
Protein context (NP_057088.2, residues 301-321): TSFHSVIEAH[Glu311Lys]QLNVKHEPLQ

ClinVar aggregate classification (germline): Uncertain significance. Review status: criteria provided, single submitter (1 of 4 stars). 3 submissions from 3 submitters: Uncertain significance (1). 2 of the submissions do not count toward it. Last evaluated 2023-10-17.

Conditions:
Jeune thoracic dystrophy. Also called: Jeune syndrome; Infantile thoracic dystrophy; Thoracic pelvic phalangeal dystrophy; Jeune's syndrome; Chondroectodermal dysplasia-like syndrome; Short-rib thoracic dysplasia. Identifiers: Orphanet 474, MedGen C0265275, MONDO:0018770.

Allele frequency attached by ClinVar (database versions not stated): gnomAD exomes 0.00004 and 0.00009; ExAC 0.00008; gnomAD 0.00020 and 0.00024; TOPMed 0.00023; ESP Exome Variant Server 0.00031; 1000 Genomes Project 0.00040; 1000 Genomes Project 30x 0.00047.
gnomAD v4.1: 144 of 1,614,050 alleles (0.0089%); highest among the groups gnomAD compares: East Asian, 0.047%; 2 homozygotes.

Submissions (3):

Labcorp Genetics (formerly Invitae), Labcorp
Classification: Uncertain significance. Last evaluated: 2023-10-17. Review status: criteria provided, single submitter. Criteria: Invitae Variant Classification Sherloc (09022015). Collection method: clinical testing. Allele origin: germline.
Comment: This sequence change replaces glutamic acid, which is acidic and polar, with lysine, which is basic and polar, at codon 311 of the IFT52 protein (p.Glu311Lys). This variant is present in population databases (rs145672738, gnomAD 0.06%). This missense change has been observed in individual(s) with asphyxiating thoracic dystrophy (PMID: 29068549). ClinVar contains an entry for this variant (Variation ID: 446694). Advanced modeling of protein sequence and biophysical properties (such as structural, functional, and spatial information, amino acid conservation, physicochemical variation, residue mobility, and thermodynamic stability) performed at Invitae indicates that this missense variant is not expected to disrupt IFT52 protein function. In summary, the available evidence is currently insufficient to determine the role of this variant in disease. Therefore, it has been classified as a Variant of Uncertain Significance.

Dan Cohn Lab, University Of California Los Angeles
Classification: Uncertain significance for Asphyxiating thoracic dystrophy. Last evaluated: 2017-06-01. Review status: no assertion criteria provided. Collection method: research. Allele origin: paternal. Affected: yes. Not counted in ClinVar's aggregate classification.

University of Washington Center for Mendelian Genomics, University of Washington
Classification: Likely pathogenic for asphyxiating thoracic dystrophy. Review status: no assertion criteria provided. Collection method: research. Allele origin: inherited. Affected: yes. Not counted in ClinVar's aggregate classification.

Literature cited by the submitters: PubMed 29068549 (cited by 3 submitters).